The following is an entry in ClinVar:

ClinVar aggregate classification (germline): Uncertain significance (0 of 4 stars; one submission).

Conditions:
WNT10A-related disorder. Also called: WNT10A-related condition; WNT10A-related disorders.

Allele frequency attached by ClinVar (database versions not stated): gnomAD 0.00013; ESP Exome Variant Server 0.00008; ExAC 0.00011; TOPMed 0.00004; gnomAD exomes 0.00007.
gnomAD v4.1: 128 of 1,614,154 alleles (0.0079%); highest among the groups gnomAD compares: East Asian, 0.025%; no homozygotes.

Submission:

PreventionGenetics, part of Exact Sciences
Classification: Uncertain significance for WNT10A-related condition. Last evaluated: 2023-11-14. Review status: no assertion criteria provided. Collection method: clinical testing. Allele origin: germline.
Comment: The WNT10A c.460C>A variant is predicted to result in the amino acid substitution p.Leu154Met. This variant is reported in 0.14% of alleles in individuals of European (Finnish) descent in gnomAD, which may be too common to be causative. Although we suspect that this variant may be benign, at this time, the clinical significance of this variant is uncertain due to the absence of conclusive functional and genetic evidence.

NM_025216.3(WNT10A):c.460C>A (p.Leu154Met)

Gene: WNT10A (Wnt family member 10A; plus strand). Cytogenetic location: 2q35.
Variant type: single nucleotide variant.
Coding change: c.460C>A on transcript NM_025216.3 (MANE Select); coding-DNA position 460, C replaced by A.
Protein change: p.Leu154Met; replaces leucine 154 with methionine.
Molecular consequence: missense variant.
Genome position (GRCh38, 1-based): chr2:218,890,067, C>A. VCF-style: chr2-218890067-C-A. GRCh37 (hg19) VCF-style: chr2-219754789-C-A.
Other names: short protein forms L154M.
Identifiers: ClinVar variation 3032893 (VCV003032893.2), dbSNP rs148187600, ClinGen allele CA2113937.